The following is an entry in ClinVar:

NM_006739.4(MCM5):c.502A>G (p.Ile168Val)

Gene: MCM5 (minichromosome maintenance complex component 5; plus strand). Cytogenetic location: 22q12.3.
Variant type: single nucleotide variant.
Coding change: c.502A>G on transcript NM_006739.4 (MANE Select); coding-DNA position 502, A replaced by G.
Protein change: p.Ile168Val; replaces isoleucine 168 with valine.
Molecular consequence: missense variant.
Genome position (GRCh38, 1-based): chr22:35,406,631, A>G. VCF-style: chr22-35406631-A-G. GRCh37 (hg19) VCF-style: chr22-35802624-A-G.
Other names: short protein forms I168V.
Identifiers: ClinVar variation 2794982 (VCV002794982.3), dbSNP rs2517887561, ClinGen allele CA411362343.

ClinVar aggregate classification (germline): Uncertain significance (1 of 4 stars; one submission).

Submission:

Labcorp Genetics (formerly Invitae), Labcorp
Classification: Uncertain significance. Last evaluated: 2023-06-27. Review status: criteria provided, single submitter. Criteria: Invitae Variant Classification Sherloc (09022015). Collection method: clinical testing. Allele origin: germline.
Comment: In summary, the available evidence is currently insufficient to determine the role of this variant in disease. Therefore, it has been classified as a Variant of Uncertain Significance. Advanced modeling of protein sequence and biophysical properties (such as structural, functional, and spatial information, amino acid conservation, physicochemical variation, residue mobility, and thermodynamic stability) performed at Invitae indicates that this missense variant is not expected to disrupt MCM5 protein function. This variant has not been reported in the literature in individuals affected with MCM5-related conditions. This variant is not present in population databases (gnomAD no frequency). This sequence change replaces isoleucine, which is neutral and non-polar, with valine, which is neutral and non-polar, at codon 168 of the MCM5 protein (p.Ile168Val).